The following is an entry in ClinVar:

NM_001844.5(COL2A1):c.3536G>A (p.Gly1179Glu)

Gene: COL2A1 (collagen type II alpha 1 chain; minus strand). Cytogenetic location: 12q13.11.
Variant type: single nucleotide variant.
Coding change: c.3536G>A on transcript NM_001844.5 (MANE Select); coding-DNA position 3536, G replaced by A.
Protein change: p.Gly1179Glu; replaces glycine 1179 with glutamic acid.
Molecular consequence: missense variant.
Genome position (GRCh38, 1-based): chr12:47,976,024, C>T on the plus strand (G>A on the coding strand, the complement: COL2A1 is on the minus strand). VCF-style: chr12-47976024-C-T. GRCh37 (hg19) VCF-style: chr12-48369807-C-T.
Other names: c.3329G>A, p.Gly1110Glu (NM_033150.3); short protein forms G1110E, G1179E.
Identifiers: ClinVar variation 2633691 (VCV002633691.1), dbSNP rs2540102569, ClinGen allele CA384537367.

ClinVar aggregate classification (germline): Likely pathogenic (1 of 4 stars; one submission).

Conditions:
COL2A1-related disorder. Also called: COL2A1-related condition; COL2A1-related disorders.

Submission:

PreventionGenetics, part of Exact Sciences
Classification: Likely pathogenic for COL2A1-related condition. Last evaluated: 2023-03-07. Review status: criteria provided, single submitter. Criteria: ACMG Guidelines, 2015. Collection method: clinical testing. Allele origin: germline.
Comment: The COL2A1 c.3536G>A variant is predicted to result in the amino acid substitution p.Gly1179Glu. To our knowledge, this variant has not been reported in the literature or in a large population database, indicating this variant is rare. The p.Gly1179 amino acid is located in the conserved Gly-Xaa-Yaa triple helical domain where substitutions of a glycine are usually pathogenic (Barat-Houari et al. 2016. PubMed ID: 26626311; Markova et al. 2022. PubMed ID: 35052477). A different variant affecting the same amino acid (p.Gly1179Arg) was reported in one individual with multiple epiphyseal dysplasia (Jackson. 2012. PubMed ID: 21922596). This variant is interpreted as likely pathogenic.